The following is an entry in ClinVar:

NM_015046.7(SETX):c.590T>C (p.Phe197Ser)

Gene: SETX (senataxin; minus strand). Cytogenetic location: 9q34.13.
Variant type: single nucleotide variant.
Coding change: c.590T>C on transcript NM_015046.7 (MANE Select); coding-DNA position 590, T replaced by C.
Protein change: p.Phe197Ser; replaces phenylalanine 197 with serine.
Molecular consequence: missense variant.
Genome position (GRCh38, 1-based): chr9:132,336,424, A>G on the plus strand (T>C on the coding strand, the complement: SETX is on the minus strand). VCF-style: chr9-132336424-A-G. GRCh37 (hg19) VCF-style: chr9-135211811-A-G.
Other names: c.590T>C, p.Phe197Ser (NM_001351527.2, NM_001351528.2); short protein forms F197S.
Identifiers: ClinVar variation 1021264 (VCV001021264.11), dbSNP rs1847622037, ClinGen allele CA375349633.
Genomic context (GRCh38, chr9:132,336,424, plus strand): 5'-TCTAGGACAGAAGAAGTATAAATGTCTGGACTCTCTAAAAGCCCCAACTCAATGACTTTA[A>G]AAAGGCAAAGTAAAACTTCTTGTAAGTCATAATAATCATCTCTGTCCACTTTCCCCAAGT-3'
Protein context (NP_055861.3, residues 187-207): YDLQEVLLCL[Phe197Ser]KVIELGLLES

ClinVar aggregate classification (germline): Uncertain significance (1 of 4 stars; one submission).

Conditions:
Amyotrophic lateral sclerosis type 4 (ALS4). Also called: NEURONOPATHY, DISTAL HEREDITARY MOTOR, WITH PYRAMIDAL FEATURES; AMYOTROPHIC LATERAL SCLEROSIS 4, JUVENILE. Identifiers: Orphanet 357043, MedGen C1865409, MONDO:0011223, OMIM 602433.
Spinocerebellar ataxia, autosomal recessive, with axonal neuropathy 2 (SCAN2). Also called: Ataxia with Oculomotor Apraxia; Ataxia-ocular apraxia-2; ATAXIA-OCULOMOTOR APRAXIA 2; Ataxia with Oculomotor Apraxia Type 2. Identifiers: Orphanet 64753, MedGen C1853761, MONDO:0018996, OMIM 606002.

Allele frequency attached by ClinVar (database versions not stated): gnomAD exomes below 0.00001.
gnomAD v4.1: 1 of 1,614,106 alleles (0.000062%); highest among the groups gnomAD compares: Non-Finnish European, 0.000085%; no homozygotes.

Submission:

Labcorp Genetics (formerly Invitae), Labcorp
Classification: Uncertain significance for Amyotrophic lateral sclerosis type 4; Spinocerebellar ataxia, autosomal recessive, with axonal neuropathy 2. Last evaluated: 2020-02-26. Review status: criteria provided, single submitter. Criteria: Invitae Variant Classification Sherloc (09022015). Collection method: clinical testing. Allele origin: germline.
Comment: This sequence change replaces phenylalanine with serine at codon 197 of the SETX protein (p.Phe197Ser). The phenylalanine residue is moderately conserved and there is a large physicochemical difference between phenylalanine and serine. This variant is not present in population databases (ExAC no frequency). This variant has not been reported in the literature in individuals with SETX-related conditions. Algorithms developed to predict the effect of missense changes on protein structure and function are either unavailable or do not agree on the potential impact of this missense change (SIFT: "Deleterious"; PolyPhen-2: "Probably Damaging"; Align-GVGD: "Class C0"). In summary, the available evidence is currently insufficient to determine the role of this variant in disease. Therefore, it has been classified as a Variant of Uncertain Significance.